The following is an entry in ClinVar:

ClinVar aggregate classification (germline): Likely pathogenic (1 of 4 stars; one submission).

Conditions:
Hereditary spastic paraplegia 11. Also called: SPASTIC PARAPLEGIA, AUTOSOMAL RECESSIVE, COMPLICATED, WITH THIN CORPUS CALLOSUM; SPASTIC PARAPLEGIA, AUTOSOMAL RECESSIVE, WITH MENTAL IMPAIRMENT AND THIN CORPUS CALLOSUM; Nakamura Osame syndrome; Autosomal recessive hereditary spastic paraplegia, mental impairment, and thin corpus callosum; Spastic paraplegia, mental retardation and thin corpus callosum; Spastic Paraplegia 11. Identifiers: Orphanet 2822, MedGen C1858479, MONDO:0011445, OMIM 604360.

Submission:

Labcorp Genetics (formerly Invitae), Labcorp
Classification: Likely pathogenic for Spastic paraplegia 11, autosomal recessive. Last evaluated: 2014-10-15. Review status: criteria provided, single submitter. Criteria: Invitae Variant Classification Sherloc (09022015). Collection method: clinical testing. Allele origin: germline.
Comment: This sequence change is a gross deletion of the genomic region encompassing exons 1-20 (c.1_3520del) of the SPG11 gene. The initiator methionine for the SPG11 mRNA is located within exon 1 and this deletion extends to the edge of the assayed region. Therefore, the 5' boundary of this event is not known. This gross deletion is predicted to eliminate the initiator methionine and the first 1173 amino acids of the SPG11 protein (p.Met1_Gly1173del). Multiple pathogenic missense changes have been reported in the first 20 exons (PMID: 23881933) and out-of-frame gross deletions encompassing exons 8 and 20 have been reported in families with hereditary spastic paraplegia (PMID: 23733235, 24451228). For these reasons, this exon 1-20 deletion has been classified as Likely Pathogenic.

NM_025137.3(SPG11):c.(?_-1)_3520+?del

Genes: SPG11 (SPG11 vesicle trafficking associated, spatacsin; minus strand), LOC130056974 (ATAC-STARR-seq lymphoblastoid active region 9342; plus strand). Cytogenetic location: 15q21.1.
Variant type: Deletion.
Identifiers: ClinVar variation 188164 (VCV000188164.1).